The following is an entry in ClinVar:

ClinVar aggregate classification (germline): Uncertain significance (1 of 4 stars; one submission).

Conditions:
Inborn genetic diseases. Identifiers: MedGen C0950123, MeSH D030342.

Submission:

Ambry Genetics
Classification: Uncertain significance for Inborn genetic diseases. Last evaluated: 2026-03-09. Review status: criteria provided, single submitter. Criteria: Ambry Variant Classification Scheme 2023. Collection method: clinical testing. Allele origin: germline.
Comment: The p.E212K variant (also known as c.634G>A), located in coding exon 6 of the CEP57 gene, results from a G to A substitution at nucleotide position 634. The glutamic acid at codon 212 is replaced by lysine, an amino acid with similar properties. This amino acid position is conserved. In addition, this alteration is predicted to be deleterious by in silico analysis. Based on the available evidence, the clinical significance of this variant remains unclear.

NM_014679.5(CEP57):c.634G>A (p.Glu212Lys)

Gene: CEP57 (centrosomal protein 57; plus strand). Cytogenetic location: 11q21.
Variant type: single nucleotide variant.
Coding change: c.634G>A on transcript NM_014679.5 (MANE Select); coding-DNA position 634, G replaced by A.
Protein change: p.Glu212Lys; replaces glutamic acid 212 with lysine.
Molecular consequence: missense variant.
Genome position (GRCh38, 1-based): chr11:95,818,839, G>A. VCF-style: chr11-95818839-G-A. GRCh37 (hg19) VCF-style: chr11-95552003-G-A.
Other names: c.607G>A, p.Glu203Lys (NM_001243776.2); c.634G>A, p.Glu212Lys (NM_001243777.2, NM_001440871.1, NM_001440874.1); c.553G>A, p.Glu185Lys (NM_001363604.2, NM_001440869.1, NM_001440870.1 and 1 more transcripts); c.517G>A, p.Glu173Lys (NM_001440872.1, NM_001440876.1, NM_001440879.1 and 1 more transcripts); c.454G>A, p.Glu152Lys (NM_001440873.1); c.436G>A, p.Glu146Lys (NM_001440877.1, NM_001440878.1); c.373G>A, p.Glu125Lys (NM_001440880.1); c.337G>A, p.Glu113Lys (NM_001440881.1); short protein forms E113K, E173K, E125K, E152K, E185K, E212K, E203K, E146K.
Identifiers: ClinVar variation 4826391 (VCV004826391.1).